The following is an entry in ClinVar:

NM_001372.4(DNAH9):c.9337G>A (p.Val3113Met)

Gene: DNAH9 (dynein axonemal heavy chain 9; plus strand). Cytogenetic location: 17p12.
Variant type: single nucleotide variant.
Coding change: c.9337G>A on transcript NM_001372.4 (MANE Select); coding-DNA position 9337, G replaced by A.
Protein change: p.Val3113Met; replaces valine 3113 with methionine.
Molecular consequence: missense variant.
Genome position (GRCh38, 1-based): chr17:11,834,728, G>A. VCF-style: chr17-11834728-G-A. GRCh37 (hg19) VCF-style: chr17-11738045-G-A.
Other names: c.9337G>A (NM_001372.3); short protein forms V3113M.
Identifiers: ClinVar variation 1349951 (VCV001349951.6), dbSNP rs140365432, ClinGen allele CA8397199.

ClinVar aggregate classification (germline): Uncertain significance. Review status: criteria provided, multiple submitters, no conflicts (2 of 4 stars). 3 submissions from 3 submitters: Uncertain significance (3). Last evaluated 2026-04-20.

Allele frequency attached by ClinVar (database versions not stated): gnomAD exomes 0.00016 and 0.00010; gnomAD 0.00009; ExAC 0.00016; ESP Exome Variant Server 0.00023; TOPMed 0.00014.
gnomAD v4.1: 179 of 1,614,022 alleles (0.011%); highest among the groups gnomAD compares: Middle Eastern, 0.2%; no homozygotes.

Submissions (3):

GeneDx
Classification: Uncertain significance. Last evaluated: 2026-04-20. Review status: criteria provided, single submitter. Criteria: GeneDx Variant Classification Process June 2021. Collection method: clinical testing. Allele origin: germline.
Comment: In silico analysis suggests that this missense variant does not alter protein structure/function; Has not been previously published as pathogenic or benign to our knowledge

Blueprint Genetics
Classification: Uncertain significance. Last evaluated: 2024-10-09. Review status: criteria provided, single submitter. Criteria: ACMG Guidelines, 2015. Collection method: clinical testing. Allele origin: germline.

Labcorp Genetics (formerly Invitae), Labcorp
Classification: Uncertain significance. Last evaluated: 2024-01-24. Review status: criteria provided, single submitter. Criteria: Invitae Variant Classification Sherloc (09022015). Collection method: clinical testing. Allele origin: germline.
Comment: This sequence change replaces valine, which is neutral and non-polar, with methionine, which is neutral and non-polar, at codon 3113 of the DNAH9 protein (p.Val3113Met). This variant is present in population databases (rs140365432, gnomAD 0.09%). This variant has not been reported in the literature in individuals affected with DNAH9-related conditions. ClinVar contains an entry for this variant (Variation ID: 1349951). Advanced modeling of protein sequence and biophysical properties (such as structural, functional, and spatial information, amino acid conservation, physicochemical variation, residue mobility, and thermodynamic stability) performed at Invitae indicates that this missense variant is not expected to disrupt DNAH9 protein function with a negative predictive value of 80%. In summary, the available evidence is currently insufficient to determine the role of this variant in disease. Therefore, it has been classified as a Variant of Uncertain Significance.